The following is an entry in ClinVar:

NM_001849.4(COL6A2):c.1332+271del

Gene: COL6A2 (collagen type VI alpha 2 chain; plus strand). Cytogenetic location: 21q22.3.
Variant type: Deletion.
Coding change: c.1332+271del on transcript NM_001849.4 (MANE Select); 271 bases into the intron after coding-DNA position 1332, one base deleted (C; older notation c.1332+271delC).
Molecular consequence: intron variant.
Genome position (GRCh38, 1-based): chr21:46,120,121, C deleted; the last of 6 consecutive C bases (chr21:46,120,116-46,120,121); deleting any one gives the same sequence. VCF-style (leftmost placement, unchanged base first): chr21-46120115-AC-A. GRCh37 (hg19) VCF-style: chr21-47540029-AC-A.
Other names: c.1332+271del (NM_058175.3, NM_058174.3).
Identifiers: ClinVar variation 668104 (VCV000668104.1), dbSNP rs3831407, ClinGen allele CA321966309.

ClinVar aggregate classification (germline): Benign (1 of 4 stars; one submission).

Submission:

GeneDx
Classification: Benign. Last evaluated: 2018-06-19. Review status: criteria provided, single submitter. Criteria: GeneDx Variant Classification (06012015). Collection method: clinical testing. Allele origin: germline. Affected: yes.
Comment: This variant is considered likely benign or benign based on one or more of the following criteria: it is a conservative change, it occurs at a poorly conserved position in the protein, it is predicted to be benign by multiple in silico algorithms, and/or has population frequency not consistent with disease.